The following is an entry in ClinVar:

ClinVar aggregate classification (germline): Conflicting classifications of pathogenicity. Review status: criteria provided, conflicting classifications (1 of 4 stars). 5 submissions from 5 submitters: Uncertain significance (1); Benign (1); Likely benign (2). 1 of the submissions does not count toward it. Last evaluated 2025-03-11.

Conditions:
COL4A5-related disorder. Also called: COL4A5-related condition.
Inborn genetic diseases. Identifiers: MedGen C0950123, MeSH D030342.
X-linked Alport syndrome (ATS1). Also called: COL4A5-Related Nephropathy; NEPHROPATHY AND DEAFNESS, X-LINKED. Identifiers: Orphanet 63, Orphanet 88917, MedGen C4746986, MONDO:0010520, OMIM 301050.

Allele frequency attached by ClinVar (database versions not stated): gnomAD 0.00003 and 0.00004; TOPMed 0.00004; gnomAD exomes 0.00005 and 0.00006; ExAC 0.00006; ESP Exome Variant Server 0.00019.
gnomAD v4.1: 65 of 1,209,857 alleles (0.0054%); highest among the groups gnomAD compares: Non-Finnish European, 0.0072%; no homozygotes.

Submissions (5):

PreventionGenetics, part of Exact Sciences
Classification: Likely benign for COL4A5-related condition. Last evaluated: 2025-03-11. Review status: criteria provided, single submitter. Criteria: ACMG Guidelines, 2015. Collection method: clinical testing. Allele origin: germline.
Comment: This variant is classified as likely benign based on ACMG/AMP sequence variant interpretation guidelines (Richards et al. 2015 PMID: 25741868, with internal and published modifications).

Labcorp Genetics (formerly Invitae), Labcorp
Classification: Benign. Last evaluated: 2023-11-01. Review status: criteria provided, single submitter. Criteria: Invitae Variant Classification Sherloc (09022015). Collection method: clinical testing. Allele origin: germline.

Ambry Genetics
Classification: Uncertain significance for Inborn genetic diseases. Last evaluated: 2023-08-15. Review status: criteria provided, single submitter. Criteria: Ambry Variant Classification Scheme 2023. Collection method: clinical testing. Allele origin: germline.

Fulgent Genetics
Classification: Likely benign for X-linked Alport syndrome. Last evaluated: 2022-05-09. Review status: criteria provided, single submitter. Criteria: ACMG Guidelines, 2015. Collection method: clinical testing. Allele origin: unknown.

Natera, Inc.
Classification: Likely benign for X-linked Alport syndrome. Last evaluated: 2021-06-24. Review status: no assertion criteria provided. Collection method: clinical testing. Allele origin: germline. Not counted in ClinVar's aggregate classification.

NM_033380.3(COL4A5):c.1909C>A (p.Gln637Lys)

Gene: COL4A5 (collagen type IV alpha 5 chain; plus strand). Cytogenetic location: Xq22.3.
Variant type: single nucleotide variant.
Coding change: c.1909C>A on transcript NM_033380.3 (MANE Select); coding-DNA position 1909, C replaced by A.
Protein change: p.Gln637Lys; replaces glutamine 637 with lysine.
Molecular consequence: missense variant.
Genome position (GRCh38, 1-based): chrX:108,598,831, C>A. VCF-style: chrX-108598831-C-A. GRCh37 (hg19) VCF-style: chrX-107842061-C-A.
Other names: c.1909C>A, p.Gln637Lys (NM_000495.5); c.1909C>A (NM_000495.3, NM_000495.4); short protein forms Q637K.
Identifiers: ClinVar variation 1165601 (VCV001165601.14), dbSNP rs368347660, ClinGen allele CA10488808.